The following is an entry in ClinVar:

ClinVar aggregate classification (germline): Uncertain significance (1 of 4 stars; one submission).

Allele frequency attached by ClinVar (database versions not stated): gnomAD exomes 0.00006 and 0.00010; ExAC 0.00013; ESP Exome Variant Server 0.00031; gnomAD 0.00035 and 0.00036; 1000 Genomes Project 0.00040; TOPMed 0.00041; 1000 Genomes Project 30x 0.00047.
gnomAD v4.1: 143 of 1,612,238 alleles (0.0089%); highest among the groups gnomAD compares: African/African-American, 0.11%; no homozygotes.

Submission:

Labcorp Genetics (formerly Invitae), Labcorp
Classification: Uncertain significance. Last evaluated: 2022-07-19. Review status: criteria provided, single submitter. Criteria: Invitae Variant Classification Sherloc (09022015). Collection method: clinical testing. Allele origin: germline.
Comment: This sequence change replaces arginine, which is basic and polar, with histidine, which is basic and polar, at codon 689 of the LCT protein (p.Arg689His). This variant is present in population databases (rs146706415, gnomAD 0.09%). This variant has not been reported in the literature in individuals affected with LCT-related conditions. ClinVar contains an entry for this variant (Variation ID: 1411144). Algorithms developed to predict the effect of missense changes on protein structure and function output the following: SIFT: "Not Available"; PolyPhen-2: "Benign"; Align-GVGD: "Not Available". The histidine amino acid residue is found in multiple mammalian species, which suggests that this missense change does not adversely affect protein function. In summary, the available evidence is currently insufficient to determine the role of this variant in disease. Therefore, it has been classified as a Variant of Uncertain Significance.

NM_002299.4(LCT):c.2066G>A (p.Arg689His)

Gene: LCT (lactase; minus strand). Cytogenetic location: 2q21.3.
Variant type: single nucleotide variant.
Coding change: c.2066G>A on transcript NM_002299.4 (MANE Select); coding-DNA position 2066, G replaced by A.
Protein change: p.Arg689His; replaces arginine 689 with histidine.
Molecular consequence: missense variant.
Genome position (GRCh38, 1-based): chr2:135,812,598, C>T on the plus strand (G>A on the coding strand, the complement: LCT is on the minus strand). VCF-style: chr2-135812598-C-T. GRCh37 (hg19) VCF-style: chr2-136570168-C-T.
Other names: short protein forms R689H.
Identifiers: ClinVar variation 1411144 (VCV001411144.5), dbSNP rs146706415, ClinGen allele CA1888303.
Genomic context (GRCh38, chr2:135,812,598, plus strand): 5'-AAGCCTCCAATGGTATCATAGCTAGGGATGCAGGTGTTTTGTGGGGCGTTGCTGATGAGG[C>T]GGGAGGTGTAATGCGACAGACCCAGAAAATCAGCAGAGCCTTTCAGGAGCTGCTTCTCTG-3'
Protein context (NP_002290.2, residues 679-699): DFLGLSHYTS[Arg689His]LISNAPQNTC